The following is an entry in ClinVar:

ClinVar aggregate classification (germline): Uncertain significance (1 of 4 stars; one submission).

Submission:

Labcorp Genetics (formerly Invitae), Labcorp
Classification: Uncertain significance. Last evaluated: 2021-04-23. Review status: criteria provided, single submitter. Criteria: Invitae Variant Classification Sherloc (09022015). Collection method: clinical testing. Allele origin: germline.
Comment: This variant has not been reported in the literature in individuals with PNPT1-related conditions. In summary, the available evidence is currently insufficient to determine the role of this variant in disease. Therefore, it has been classified as a Variant of Uncertain Significance. Algorithms developed to predict the effect of missense changes on protein structure and function (SIFT, PolyPhen-2, Align-GVGD) all suggest that this variant is likely to be tolerated, but these predictions have not been confirmed by published functional studies and their clinical significance is uncertain. This variant is not present in population databases (ExAC no frequency). This sequence change replaces glutamine with arginine at codon 632 of the PNPT1 protein (p.Gln632Arg). The glutamine residue is moderately conserved and there is a small physicochemical difference between glutamine and arginine.

NM_033109.5(PNPT1):c.1895A>G (p.Gln632Arg)

Gene: PNPT1 (polyribonucleotide nucleotidyltransferase 1; minus strand). Cytogenetic location: 2p16.1.
Variant type: single nucleotide variant.
Coding change: c.1895A>G on transcript NM_033109.5 (MANE Select); coding-DNA position 1895, A replaced by G.
Protein change: p.Gln632Arg; replaces glutamine 632 with arginine.
Molecular consequence: missense variant.
Genome position (GRCh38, 1-based): chr2:55,644,648, T>C on the plus strand (A>G on the coding strand, the complement: PNPT1 is on the minus strand). VCF-style: chr2-55644648-T-C. GRCh37 (hg19) VCF-style: chr2-55871783-T-C.
Other names: short protein forms Q632R.
Identifiers: ClinVar variation 1475054 (VCV001475054.8), dbSNP rs1695931294, ClinGen allele CA346924353.